The following is an entry in ClinVar:

NM_000069.3(CACNA1S):c.1160C>G (p.Ser387Cys)

Gene: CACNA1S (calcium voltage-gated channel subunit alpha1 S; minus strand). Cytogenetic location: 1q32.1.
Variant type: single nucleotide variant.
Coding change: c.1160C>G on transcript NM_000069.3 (MANE Select); coding-DNA position 1160, C replaced by G.
Protein change: p.Ser387Cys; replaces serine 387 with cysteine.
Molecular consequence: missense variant.
Genome position (GRCh38, 1-based): chr1:201,085,022, G>C on the plus strand (C>G on the coding strand, the complement: CACNA1S is on the minus strand). VCF-style: chr1-201085022-G-C. GRCh37 (hg19) VCF-style: chr1-201054150-G-C.
Other names: short protein forms S387C.
Identifiers: ClinVar variation 2934882 (VCV002934882.4), dbSNP rs372501519, ClinGen allele CA35989844.

ClinVar aggregate classification (germline): Uncertain significance. Review status: criteria provided, multiple submitters, no conflicts (2 of 4 stars). 2 submissions from 2 submitters: Uncertain significance (2). Last evaluated 2025-09-15.

Conditions:
Malignant hyperthermia, susceptibility to, 5 (MHS5). Also called: CACNA1S-Related Malignant Hyperthermia Susceptibility. Identifiers: Orphanet 423, MedGen C1866077, MONDO:0011163, OMIM 601887.
Hypokalemic periodic paralysis, type 1. Also called: HypoPP; Hypokalemic Periodic Paralysis Type 1 (AD). Identifiers: Orphanet 681, MedGen C3714580, MONDO:0042979, OMIM 170400.
Congenital myopathy 18. Also called: Myopathy, congenital, due to dihydropyridine receptor defect; DIHYDROPYRIDINE RECEPTOR CONGENITAL MYOPATHY; DHPR CONGENITAL MYOPATHY. Identifiers: MedGen C5830283, MONDO:0859514, OMIM 620246.
Thyrotoxic periodic paralysis, susceptibility to, 1 (TTPP1). Identifiers: Orphanet 79102, MedGen C2749982, MONDO:0008570, OMIM 188580.

Allele frequency attached by ClinVar (database versions not stated): gnomAD exomes below 0.00001; gnomAD 0.00001; TOPMed 0.00001; ESP Exome Variant Server 0.00008.
gnomAD v4.1: 3 of 1,610,620 alleles (0.00019%); highest among the groups gnomAD compares: African/African-American, 0.004%; no homozygotes.

Submissions (2):

Labcorp Genetics (formerly Invitae), Labcorp
Classification: Uncertain significance for Hypokalemic periodic paralysis, type 1; Malignant hyperthermia, susceptibility to, 5. Last evaluated: 2025-09-15. Review status: criteria provided, single submitter. Criteria: Invitae Variant Classification Sherloc (09022015). Collection method: clinical testing. Allele origin: germline.
Comment: This sequence change replaces serine, which is neutral and polar, with cysteine, which is neutral and slightly polar, at codon 387 of the CACNA1S protein (p.Ser387Cys). This variant is not present in population databases (gnomAD no frequency). This variant has not been reported in the literature in individuals affected with CACNA1S-related conditions. ClinVar contains an entry for this variant (Variation ID: 2934882). Invitae Evidence Modeling of protein sequence and biophysical properties (such as structural, functional, and spatial information, amino acid conservation, physicochemical variation, residue mobility, and thermodynamic stability) indicates that this missense variant is not expected to disrupt CACNA1S protein function with a negative predictive value of 95%. In summary, the available evidence is currently insufficient to determine the role of this variant in disease. Therefore, it has been classified as a Variant of Uncertain Significance.

Fulgent Genetics
Classification: Uncertain significance for Hypokalemic periodic paralysis, type 1; Thyrotoxic periodic paralysis, susceptibility to, 1; Malignant hyperthermia, susceptibility to, 5; Congenital myopathy 18. Last evaluated: 2024-03-08. Review status: criteria provided, single submitter. Criteria: ACMG Guidelines, 2015. Collection method: clinical testing. Allele origin: germline.